The following is an entry in ClinVar:

NM_015474.4(SAMHD1):c.*240G>A

Genes: SAMHD1 (SAM and HD domain containing deoxynucleoside triphosphate triphosphohydrolase 1; minus strand), TLDC2 (TBC/LysM-associated domain containing 2; plus strand). Cytogenetic location: 20q11.23.
Variant type: single nucleotide variant.
Coding change: c.*240G>A on transcript NM_015474.4 (MANE Select); 240 bases downstream of the stop codon, G replaced by A.
Molecular consequence: 3 prime UTR variant. On other transcripts: intron variant (2).
Genome position (GRCh38, 1-based): chr20:36,892,692, C>T on the plus strand (G>A on the coding strand, the complement: SAMHD1 is on the minus strand). VCF-style: chr20-36892692-C-T. GRCh37 (hg19) VCF-style: chr20-35521095-C-T.
Other names: c.*240G>A (NM_001363729.2); c.*18-170C>T (NM_001304783.1, NM_080628.3).
Identifiers: ClinVar variation 338335 (VCV000338335.5), dbSNP rs143588093, ClinGen allele CA10643817.

ClinVar aggregate classification (germline): Conflicting classifications of pathogenicity. Review status: criteria provided, conflicting classifications (1 of 4 stars). 2 submissions from 1 submitter: Uncertain significance (1); Benign (1). Last evaluated 2018-01-13.

Conditions:
Aicardi-Goutieres syndrome 5. Identifiers: Orphanet 51, MedGen C2749659, MONDO:0013059, OMIM 612952.
Chilblain lupus 2 (CHBL2). Identifiers: MedGen C3280721, MONDO:0013739, OMIM 614415.

Allele frequency attached by ClinVar (database versions not stated): TOPMed 0.00009; 1000 Genomes Project 30x 0.00062; gnomAD exomes 0.00161; gnomAD 0.00244; 1000 Genomes Project 0.00080.
gnomAD v4.1: 999 of 570,988 alleles (0.17%); highest among the groups gnomAD compares: Non-Finnish European, 0.018%; 14 homozygotes.

Submissions (2):

Illumina Laboratory Services, Illumina
Classification: Uncertain significance for Aicardi-Goutieres syndrome 5. Last evaluated: 2018-01-13. Review status: criteria provided, single submitter. Criteria: ICSL Variant Classification Criteria 13 December 2019. Collection method: clinical testing. Allele origin: germline.

Illumina Laboratory Services, Illumina
Classification: Benign for Chilblain lupus 2. Last evaluated: 2018-01-13. Review status: criteria provided, single submitter. Criteria: ICSL Variant Classification Criteria 13 December 2019. Collection method: clinical testing. Allele origin: germline.
Comment: This variant was observed in the ICSL laboratory as part of a predisposition screen in an ostensibly healthy population. It had not been previously curated by ICSL or reported in the Human Gene Mutation Database (HGMD: prior to June 1st, 2018), and was therefore a candidate for classification through an automated scoring system. Utilizing variant allele frequency, disease prevalence and penetrance estimates, and inheritance mode, an automated score was calculated to assess if this variant is too frequent to cause the disease. Based on the score and internal cut-off values, a variant classified as benign is not then subjected to further curation. The score for this variant resulted in a classification of benign for this disease.